The following is an entry in ClinVar:

ClinVar aggregate classification (germline): Likely benign. Review status: criteria provided, multiple submitters, no conflicts (2 of 4 stars). 3 submissions from 3 submitters: Likely benign (3). Last evaluated 2026-08-13.

Conditions:
UBR1-related disorder. Also called: UBR1-related condition.

Allele frequency attached by ClinVar (database versions not stated): ExAC 0.00007; gnomAD 0.00007; ESP Exome Variant Server 0.00008; TOPMed 0.00009; 1000 Genomes Project 0.00020; 1000 Genomes Project 30x 0.00031.
gnomAD v4.1: 167 of 1,601,972 alleles (0.01%); highest among the groups gnomAD compares: Non-Finnish European, 0.013%; 1 homozygote.

Submissions (3):

PreventionGenetics, part of Exact Sciences
Classification: Likely benign for UBR1-related condition. Last evaluated: 2026-08-13. Review status: criteria provided, single submitter. Criteria: ACMG Guidelines, 2015. Collection method: clinical testing. Allele origin: germline.
Comment: This variant is classified as likely benign based on ACMG/AMP sequence variant interpretation guidelines (Richards et al. 2015 PMID: 25741868, with internal and published modifications).

Labcorp Genetics (formerly Invitae), Labcorp
Classification: Likely benign. Last evaluated: 2025-07-10. Review status: criteria provided, single submitter. Criteria: Invitae Variant Classification Sherloc (09022015). Collection method: clinical testing. Allele origin: germline.

CeGaT Center for Human Genetics Tuebingen
Classification: Likely benign. Last evaluated: 2022-03-01. Review status: criteria provided, single submitter. Criteria: CeGaT Center For Human Genetics Tuebingen Variant Classification Criteria Version 2. Collection method: clinical testing. Allele origin: germline. Affected: yes. Observed: 1 variant allele.
Comment: UBR1: BP4, BP7

NM_174916.3(UBR1):c.1194A>G (p.Gln398=)

Gene: UBR1 (ubiquitin protein ligase E3 component n-recognin 1; minus strand). Cytogenetic location: 15q15.2.
Variant type: single nucleotide variant.
Coding change: c.1194A>G on transcript NM_174916.3 (MANE Select); coding-DNA position 1194, A replaced by G.
Protein change: p.Gln398=; no amino-acid change (glutamine 398 retained).
Molecular consequence: synonymous variant.
Genome position (GRCh38, 1-based): chr15:43,056,431, T>C on the plus strand (A>G on the coding strand, the complement: UBR1 is on the minus strand). VCF-style: chr15-43056431-T-C. GRCh37 (hg19) VCF-style: chr15-43348629-T-C.
Other names: c.1194A>G (NM_174916.2).
Identifiers: ClinVar variation 2065046 (VCV002065046.29), dbSNP rs143184602, ClinGen allele CA7518785.